The following is an entry in ClinVar:

NM_004329.3(BMPR1A):c.132A>G (p.Ser44=)

Gene: BMPR1A (bone morphogenetic protein receptor type 1A; plus strand). Cytogenetic location: 10q23.2.
Variant type: single nucleotide variant.
Coding change: c.132A>G on transcript NM_004329.3 (MANE Select); coding-DNA position 132, A replaced by G.
Protein change: p.Ser44=; no amino-acid change (serine 44 retained).
Molecular consequence: synonymous variant.
Genome position (GRCh38, 1-based): chr10:86,890,126, A>G. VCF-style: chr10-86890126-A-G. GRCh37 (hg19) VCF-style: chr10-88649883-A-G.
Identifiers: ClinVar variation 1155834 (VCV001155834.10), dbSNP rs1554888111, ClinGen allele CA470304531.

ClinVar aggregate classification (germline): Benign/Likely benign. Review status: criteria provided, multiple submitters, no conflicts (2 of 4 stars). 2 submissions from 2 submitters: Benign (1); Likely benign (1). Last evaluated 2024-07-31.

Conditions:
Juvenile polyposis syndrome (JPS). Identifiers: Orphanet 2929, MedGen C0345893, MONDO:0017380, OMIM 174900.

Submissions (2):

Myriad Genetics, Inc.
Classification: Benign for Juvenile polyposis syndrome. Last evaluated: 2024-07-31. Review status: criteria provided, single submitter. Criteria: Myriad Autosomal Dominant, Autosomal Recessive and X-Linked Classification Criteria (2023). Collection method: clinical testing. Allele origin: unknown.
Comment: This variant is considered benign. This variant is a silent/synonymous amino acid change and it is not expected to impact splicing.

Labcorp Genetics (formerly Invitae), Labcorp
Classification: Likely benign for Juvenile polyposis syndrome. Last evaluated: 2020-07-23. Review status: criteria provided, single submitter. Criteria: Invitae Variant Classification Sherloc (09022015). Collection method: clinical testing. Allele origin: germline.